The following is an entry in ClinVar:

NM_001127222.2(CACNA1A):c.5987C>G (p.Thr1996Arg)

Gene: CACNA1A (calcium voltage-gated channel subunit alpha1 A; minus strand). Cytogenetic location: 19p13.13.
Variant type: single nucleotide variant.
Coding change: c.5987C>G on transcript NM_001127222.2 (MANE Select); coding-DNA position 5987, C replaced by G.
Protein change: p.Thr1996Arg; replaces threonine 1996 with arginine.
Molecular consequence: missense variant.
Genome position (GRCh38, 1-based): chr19:13,212,694, G>C on the plus strand (C>G on the coding strand, the complement: CACNA1A is on the minus strand). VCF-style: chr19-13212694-G-C. GRCh37 (hg19) VCF-style: chr19-13323508-G-C.
Other names: c.6005C>G, p.Thr2002Arg (NM_000068.4, NM_023035.3); c.5990C>G, p.Thr1997Arg (NM_001127221.2); c.5996C>G, p.Thr1999Arg (NM_001174080.2); short protein forms T1996R, T1997R, T1999R, T2002R.
Identifiers: ClinVar variation 3343239 (VCV003343239.1).

ClinVar aggregate classification (germline): Uncertain significance (1 of 4 stars; one submission).

gnomAD v4.1: 5 of 1,510,744 alleles (0.00033%); highest among the groups gnomAD compares: South Asian, 0.0014%; no homozygotes.

Submission:

GeneDx
Classification: Uncertain significance. Last evaluated: 2023-05-21. Review status: criteria provided, single submitter. Criteria: GeneDx Variant Classification Process June 2021. Collection method: clinical testing. Allele origin: germline. Affected: yes.
Comment: Not observed at significant frequency in large population cohorts (gnomAD); In silico analysis supports that this missense variant has a deleterious effect on protein structure/function; Has not been previously published as pathogenic or benign to our knowledge